The following is an entry in ClinVar:

NM_002775.5(HTRA1):c.539C>T (p.Ala180Val)

Gene: HTRA1 (HtrA serine peptidase 1; plus strand). Cytogenetic location: 10q26.13.
Variant type: single nucleotide variant.
Coding change: c.539C>T on transcript NM_002775.5 (MANE Select); coding-DNA position 539, C replaced by T.
Protein change: p.Ala180Val; replaces alanine 180 with valine.
Molecular consequence: missense variant.
Genome position (GRCh38, 1-based): chr10:122,488,968, C>T. VCF-style: chr10-122488968-C-T. GRCh37 (hg19) VCF-style: chr10-124248484-C-T.
Other names: short protein forms A180V.
Identifiers: ClinVar variation 2629666 (VCV002629666.1), dbSNP rs2497621656, ClinGen allele CA378579981.

ClinVar aggregate classification (germline): Uncertain significance (1 of 4 stars; one submission).

Conditions:
HTRA1-related disorder. Also called: HTRA1-related condition.

Submission:

PreventionGenetics, part of Exact Sciences
Classification: Uncertain significance for HTRA1-related condition. Last evaluated: 2022-12-21. Review status: criteria provided, single submitter. Criteria: ACMG Guidelines, 2015. Collection method: clinical testing. Allele origin: germline.
Comment: The HTRA1 c.539C>T variant is predicted to result in the amino acid substitution p.Ala180Val. To our knowledge, this variant has not been reported in the literature or in a large population database, indicating this variant is rare. At this time, the clinical significance of this variant is uncertain due to the absence of conclusive functional and genetic evidence.